The following is an entry in ClinVar:

NM_000092.5(COL4A4):c.2366G>A (p.Gly789Glu)

Gene: COL4A4 (collagen type IV alpha 4 chain; minus strand). Cytogenetic location: 2q36.3.
Variant type: single nucleotide variant.
Coding change: c.2366G>A on transcript NM_000092.5 (MANE Select); coding-DNA position 2366, G replaced by A.
Protein change: p.Gly789Glu; replaces glycine 789 with glutamic acid.
Molecular consequence: missense variant.
Genome position (GRCh38, 1-based): chr2:227,059,422, C>T on the plus strand (G>A on the coding strand, the complement: COL4A4 is on the minus strand). VCF-style: chr2-227059422-C-T. GRCh37 (hg19) VCF-style: chr2-227924138-C-T.
Other names: p.(Gly789Glu); short protein forms G789E.
Identifiers: ClinVar variation 4855063 (VCV004855063.2).

ClinVar aggregate classification (germline): Conflicting classifications of pathogenicity. Review status: criteria provided, conflicting classifications (1 of 4 stars). 2 submissions from 2 submitters: Likely pathogenic (1); Uncertain significance (1). Last evaluated 2026-05-06.

Conditions:
Autosomal recessive Alport syndrome (ATS2). Also called: COL4A4 Alport Syndrome and Thin Basement Membrane Nephropathy; ALPORT SYNDROME 2, AUTOSOMAL RECESSIVE; COL4A3-Related Nephropathy; Alport syndrome type 2. Identifiers: Orphanet 63, Orphanet 88919, MedGen C4746745, MONDO:0008762, OMIM 203780.

gnomAD v4.1: 2 of 1,614,178 alleles (0.00012%); highest among the groups gnomAD compares: Non-Finnish European, 0.000085%; no homozygotes.

Submissions (2):

Centre de Génétique Humaine, Institut de Pathologie Et de Génétique
Classification: Likely pathogenic for Autosomal recessive Alport syndrome. Last evaluated: 2026-05-06. Review status: criteria provided, single submitter. Criteria: ACMG Guidelines, 2015. Collection method: clinical testing. Allele origin: germline. Inheritance: Autosomal recessive inheritance. Affected: yes. Observed: 1 variant allele, 1 compound heterozygote. Segregation with disease not observed.
Comment: This missense variant involves a highly conserved glycine located in a ‘Gly-X-Y’ motif in collagenous region, which is characteristic of the pathogenic variants identified in the COL4A4 gene (PM1,PP2). This variant is rare: allelic frequency of 0.00012% in gnomAD v4.1.0 database (PM2). In silico analysis supports that this missense variant has a deleterious effect (PP3).

3billion
Classification: Uncertain significance for Autosomal recessive Alport syndrome. Last evaluated: 2026-01-26. Review status: criteria provided, single submitter. Criteria: ACMG Guidelines, 2015. Collection method: clinical testing. Allele origin: germline. Affected: yes.
Comment: The variant is observed at an extremely low frequency in the gnomAD v4.1.0 dataset (total allele frequency: <0.001%). Predicted Consequence/Location: The variant is located in a mutational hot spot and/or well-established functional domain in which established pathogenic variants have been reported (PMID: 30311386). In silico tool predictions suggest damaging effect of the variant on gene or gene product [REVEL: 0.93 (>=0.6, sensitivity 0.68 and specificity 0.92); 3Cnet: 0.84 (> 0.75, sensitivity 0.96 and precision 0.92)]. None, the evidence of pathogenicity is insufficient at this time. Therefore, this variant is classified as VUS according to the recommendation of ACMG/AMP guideline.